The following is an entry in ClinVar:

NM_000426.4(LAMA2):c.4157A>T (p.Tyr1386Phe)

Gene: LAMA2 (laminin subunit alpha 2; plus strand). Cytogenetic location: 6q22.33.
Variant type: single nucleotide variant.
Coding change: c.4157A>T on transcript NM_000426.4 (MANE Select); coding-DNA position 4157, A replaced by T.
Protein change: p.Tyr1386Phe; replaces tyrosine 1386 with phenylalanine.
Molecular consequence: missense variant.
Genome position (GRCh38, 1-based): chr6:129,320,636, A>T. VCF-style: chr6-129320636-A-T. GRCh37 (hg19) VCF-style: chr6-129641781-A-T.
Other names: c.4157A>T, p.Tyr1386Phe (NM_001079823.2); short protein forms Y1386F.
Identifiers: ClinVar variation 703096 (VCV000703096.18), dbSNP rs560139751, ClinGen allele CA3993455.
Genomic context (GRCh38, chr6:129,320,636, plus strand): 5'-GTGGAACAACAATGACTCCTCCAGCTGACTTGATTGAAAAATGTGATTGTCCCCTGGGCT[A>T]TTCTGGCCTGTCCTGTGAGGTAAGCTACCTCCTACTAACCTGCTTAATCTCAAGTCACTT-3'
Protein context (NP_000417.3, residues 1376-1396): LIEKCDCPLG[Tyr1386Phe]SGLSCEACLP

ClinVar aggregate classification (germline): Conflicting classifications of pathogenicity. Review status: criteria provided, conflicting classifications (1 of 4 stars). 3 submissions from 3 submitters: Uncertain significance (1); Likely benign (2). Last evaluated 2026-01-20.

Conditions:
LAMA2-related muscular dystrophy (LAMA2-RD). Also called: Laminin alpha 2-related dystrophy. Identifiers: MedGen C5679788, MONDO:0100228.
Congenital muscular dystrophy due to partial LAMA2 deficiency. Identifiers: MedGen C1842898.

Allele frequency attached by ClinVar (database versions not stated): gnomAD 0.00006 and 0.00008; TOPMed 0.00013; ExAC 0.00023; gnomAD exomes 0.00024; 1000 Genomes Project 30x 0.00031; 1000 Genomes Project 0.00040.
gnomAD v4.1: 94 of 1,609,980 alleles (0.0058%); highest among the groups gnomAD compares: East Asian, 0.19%; 1 homozygote.

Submissions (3):

Labcorp Genetics (formerly Invitae), Labcorp
Classification: Likely benign for LAMA2-related muscular dystrophy. Last evaluated: 2026-01-20. Review status: criteria provided, single submitter. Criteria: Invitae Variant Classification Sherloc (09022015). Collection method: clinical testing. Allele origin: germline.

Women's Health and Genetics/Laboratory Corporation of America, LabCorp
Classification: Likely benign. Last evaluated: 2022-02-23. Review status: criteria provided, single submitter. Criteria: LabCorp Variant Classification Summary - May 2015. Collection method: clinical testing. Allele origin: germline.
Comment: Variant summary: LAMA2 c.4157A>T (p.Tyr1386Phe) results in a conservative amino acid change in the encoded protein sequence. Three of five in-silico tools predict a damaging effect of the variant on protein function. The variant allele was found at a frequency of 0.00024 in 251252 control chromosomes, predominantly at a frequency of 0.0032 within the East Asian subpopulation in the gnomAD database. The observed variant frequency within East Asian control individuals in the gnomAD database is approximately 1.43 fold of the estimated maximal expected allele frequency for a pathogenic variant in LAMA2 causing Laminin Alpha 2-Related Dystrophy phenotype (0.0022), strongly suggesting that the variant is a benign polymorphism found primarily in populations of East Asian origin. The phase of these two variants was not specified. These report(s) do not provide unequivocal conclusions about association of the variant with Laminin Alpha 2-Related Dystrophy. To our knowledge, no experimental evidence demonstrating an impact on protein function has been reported. Two clinical diagnostic laboratories have submitted clinical-significance assessments for this variant to ClinVar after 2014 without evidence for independent evaluation. One laboratory classified the variant as likely benign, and one laboratory classified the variant as uncertain significance. Based on the evidence outlined above, the variant was classified as likely benign.

Illumina Laboratory Services, Illumina
Classification: Uncertain significance for Congenital muscular dystrophy due to partial LAMA2 deficiency. Last evaluated: 2018-01-12. Review status: criteria provided, single submitter. Criteria: ICSL Variant Classification Criteria 13 December 2019. Collection method: clinical testing. Allele origin: germline.

Literature cited by the submitters: PubMed 32154989 (cited by Women's Health and Genetics/Laboratory Corporation of America, LabCorp).